The following is an entry in ClinVar:

ClinVar aggregate classification (germline): Uncertain significance. Review status: criteria provided, multiple submitters, no conflicts (2 of 4 stars). 2 submissions from 2 submitters: Uncertain significance (2). Last evaluated 2024-12-04.

Submissions (2):

Dasa
Classification: Uncertain significance. Last evaluated: 2024-12-04. Review status: criteria provided, single submitter. Criteria: DASA Assertion Criteria. Collection method: clinical testing. Allele origin: germline.
Comment: NM_001330260.2(SCN8A):c.1661C>T (p.Pro554Leu) is a missense variant that results in the substitution of proline with leucine. This variant is absent from population databases. The currently available literature and clinical evidence are not sufficient to establish a definitive association between this variant and the reported condition. Therefore, this variant is classified as a variant of uncertain significance.

CeGaT Center for Human Genetics Tuebingen
Classification: Uncertain significance. Last evaluated: 2023-07-01. Review status: criteria provided, single submitter. Criteria: CeGaT Center For Human Genetics Tuebingen Variant Classification Criteria Version 2. Collection method: clinical testing. Allele origin: germline. Affected: yes. Observed: 1 variant allele.
Comment: SCN8A: PM2, PP3

NM_001330260.2(SCN8A):c.1661C>T (p.Pro554Leu)

Gene: SCN8A (sodium voltage-gated channel alpha subunit 8; plus strand). Cytogenetic location: 12q13.13.
Variant type: single nucleotide variant.
Coding change: c.1661C>T on transcript NM_001330260.2 (MANE Select); coding-DNA position 1661, C replaced by T.
Protein change: p.Pro554Leu; replaces proline 554 with leucine.
Molecular consequence: missense variant.
Genome position (GRCh38, 1-based): chr12:51,721,571, C>T. VCF-style: chr12-51721571-C-T. GRCh37 (hg19) VCF-style: chr12-52115355-C-T.
Other names: c.1661C>T, p.Pro554Leu (NM_001177984.3, NM_001369788.1, NM_014191.4); short protein forms P554L.
Identifiers: ClinVar variation 2643001 (VCV002643001.26), dbSNP rs2540203839, ClinGen allele CA385229313.